The following is an entry in ClinVar:

ClinVar aggregate classification (germline): Pathogenic. Review status: criteria provided, multiple submitters, no conflicts (2 of 4 stars). 8 submissions from 8 submitters: Pathogenic (8). Last evaluated 2025-10-14.

Conditions:
Cardiovascular phenotype. Identifiers: MedGen CN230736.
Cardiomyopathy (CMYO). Also called: Cardiomyopathies. Identifiers: Orphanet 167848, MedGen C0878544, MONDO:0004994, HP:0001638. Inheritance: Various modes of inheritance.
Primary familial hypertrophic cardiomyopathy (HCM). Identifiers: Orphanet 99739, MedGen C0949658, MeSH D024741, MONDO:0024573. Inheritance: Various modes of inheritance.
Hypertrophic cardiomyopathy. Also called: HYPERTROPHIC MYOCARDIOPATHY. Identifiers: Orphanet 217569, MedGen C0007194, MeSH D002312, MONDO:0005045, HP:0001639.

Allele frequency attached by ClinVar (database versions not stated): gnomAD exomes below 0.00001; gnomAD 0.00001.

Submissions (8):

Labcorp Genetics (formerly Invitae), Labcorp
Classification: Pathogenic for Hypertrophic cardiomyopathy. Last evaluated: 2025-10-14. Review status: criteria provided, single submitter. Criteria: Invitae Variant Classification Sherloc (09022015). Collection method: clinical testing. Allele origin: germline.
Comment: This sequence change creates a premature translational stop signal (p.Thr146Asnfs*7) in the MYBPC3 gene. It is expected to result in an absent or disrupted protein product. Loss-of-function variants in MYBPC3 are known to be pathogenic (PMID: 19574547). This variant is present in population databases (rs397516049, gnomAD 0.007%). This premature translational stop signal has been observed in individual(s) with hypertrophic cardiomyopathy (PMID: 26914223, 27532257). ClinVar contains an entry for this variant (Variation ID: 42751). For these reasons, this variant has been classified as Pathogenic.

GeneDx
Classification: Pathogenic. Last evaluated: 2025-06-30. Review status: criteria provided, single submitter. Criteria: GeneDx Variant Classification Process June 2021. Collection method: clinical testing. Allele origin: germline. Affected: yes.
Comment: Not observed at significant frequency in large population cohorts (gnomAD); Frameshift variant predicted to result in protein truncation or nonsense mediated decay in a gene for which loss-of-function is a known mechanism of disease; Also known as c.436_437insA; Identified in patients with HCM referred for genetic testing at GeneDx and in the published literature (PMID: 25611685, 26914223, 27532257); This variant is associated with the following publications: (PMID: 27532257, 26914223, 37652022, 25611685)

Ambry Genetics
Classification: Pathogenic for Cardiovascular phenotype. Last evaluated: 2025-03-20. Review status: criteria provided, single submitter. Criteria: Ambry Variant Classification Scheme 2023. Collection method: clinical testing. Allele origin: germline.
Comment: The c.436dupA pathogenic mutation, located in coding exon 4 of the MYBPC3 gene, results from a duplication of A at nucleotide position 436, causing a translational frameshift with a predicted alternate stop codon (p.T146Nfs*7). This alteration has been reported in hypertrophic cardiomyopathy (HCM) genetic testing cohorts; however, clinical details were limited (Alfares AA et al. Genet. Med., 2015 Nov;17:880-8; Murphy SL et al. J Cardiovasc Transl Res, 2016 Apr;9:153-61; Walsh R et al. Genet. Med., 2017 02;19:192-203). In addition to the clinical data presented in the literature, this alteration is expected to result in loss of function by premature protein truncation or nonsense-mediated mRNA decay. As such, this alteration is interpreted as a disease-causing mutation.

All of Us Research Program, National Institutes of Health
Classification: Pathogenic for Hypertrophic cardiomyopathy. Last evaluated: 2024-03-14. Review status: criteria provided, single submitter. Criteria: ACMG Guidelines, 2015. Collection method: clinical testing. Allele origin: germline. Inheritance: Autosomal dominant inheritance. Observed: 2 variant alleles, 2 heterozygotes.
Comment: This variant inserts 1 nucleotide in exon 4 of the MYBPC3 gene, creating a frameshift and premature translation stop signal. This variant is expected to result in an absent or non-functional protein product. This variant has been reported in individuals affected with hypertrophic cardiomyopathy (PMID: 25611685, 26914223, 27532257, 30297972, 32228044, 32841044, 33495597, 34556856). This variant has been identified in 1/31388 chromosomes in the general population by the Genome Aggregation Database (gnomAD). Loss of MYBPC3 function is a known mechanism of disease. Based on the available evidence, this variant is classified as Pathogenic.

This study involves interpretation of variants in research participants for the purpose of population health screening. Participant phenotype was not available at the time of variant classification. Additional details can be found in publication PMID: 35346344, PMCID: PMC8962531

Color Diagnostics, LLC DBA Color Health
Classification: Pathogenic for Cardiomyopathy. Last evaluated: 2023-08-09. Review status: criteria provided, single submitter. Criteria: ACMG Guidelines, 2015. Collection method: clinical testing. Allele origin: germline.
Comment: This variant inserts 1 nucleotide in exon 4 of the MYBPC3 gene, creating a frameshift and premature translation stop signal. This variant is expected to result in an absent or non-functional protein product. This variant has been reported in individuals affected with hypertrophic cardiomyopathy (PMID: 25611685, 26914223, 27532257, 30297972, 32228044, 32841044, 33495597, 34556856). This variant has been identified in 1/31388 chromosomes in the general population by the Genome Aggregation Database (gnomAD). Loss of MYBPC3 function is a known mechanism of disease. Based on the available evidence, this variant is classified as Pathogenic.

Women's Health and Genetics/Laboratory Corporation of America, LabCorp
Classification: Pathogenic for Primary familial hypertrophic cardiomyopathy. Last evaluated: 2022-10-07. Review status: criteria provided, single submitter. Criteria: LabCorp Variant Classification Summary - May 2015. Collection method: clinical testing. Allele origin: germline.
Comment: Variant summary: MYBPC3 c.436dupA (p.Thr146AsnfsX7) results in a premature termination codon, predicted to cause a truncation of the encoded protein or absence of the protein due to nonsense mediated decay, which are commonly known mechanisms for disease. Truncations downstream of this position have been classified as pathogenic by our laboratory. The variant was absent in 167712 control chromosomes. c.436dupA has been reported in the literature in individuals affected with Hypertrophic Cardiomyopathy (Murphy_2016, Alfares_2015, Ho_2018). These data indicate that the variant is very likely to be associated with disease. To our knowledge, no experimental evidence demonstrating an impact on protein function has been reported. Three clinical diagnostic laboratories have submitted clinical-significance assessments for this variant to ClinVar after 2014 and classified the variant as pathogenic. Based on the evidence outlined above, the variant was classified as pathogenic.

CHEO Genetics Diagnostic Laboratory, Children's Hospital of Eastern Ontario
Classification: Pathogenic for Cardiomyopathy. Last evaluated: 2021-07-08. Review status: criteria provided, single submitter. Criteria: ACMG Guidelines, 2015. Collection method: clinical testing. Allele origin: germline. Study: Canadian Open Genetics Repository.

Laboratory for Molecular Medicine, Mass General Brigham Personalized Medicine
Classification: Pathogenic for Hypertrophic cardiomyopathy. Last evaluated: 2013-08-02. Review status: criteria provided, single submitter. Criteria: LMM Criteria. Collection method: clinical testing. Allele origin: germline. Observed: 3 variant alleles.
Comment: The Thr146fs variant in MYBPC3 was identified in three individuals with HCM from two families by our laboratory. This frameshift variant is predicted to alter t he protein?s amino acid sequence beginning at position 146 and lead to a prematu re termination codon 7 amino acids downstream. This alteration is then predicted to lead to a truncated or absent protein. Truncating variants in the MYBPC3 gen e are established as pathogenic for HCM. In summary, this variant meets our crit eria to be classified as pathogenic based upon a bsence from controls and loss of function of the MYBPC3 gene.

Literature cited by the submitters: PubMed 19574547 (cited by Labcorp Genetics (formerly Invitae), Labcorp); PubMed 26914223 (cited by 5 submitters); PubMed 27532257 (cited by 4 submitters); PubMed 25611685 (cited by 4 submitters); PubMed 30297972 (cited by 3 submitters); PubMed 32228044 (cited by All of Us Research Program, National Institutes of Health and Color Diagnostics, LLC DBA Color Health); PubMed 32841044 (cited by All of Us Research Program, National Institutes of Health and Color Diagnostics, LLC DBA Color Health); PubMed 33495597 (cited by All of Us Research Program, National Institutes of Health and Color Diagnostics, LLC DBA Color Health); PubMed 34556856 (cited by All of Us Research Program, National Institutes of Health and Color Diagnostics, LLC DBA Color Health).

NC_000011.10:g.47350083dup

Gene: MYBPC3 (myosin binding protein C3; minus strand). Cytogenetic location: 11p11.2.
Variant type: Duplication.
Molecular consequence: frameshift variant (on NM_000256.3).
Genome position: GRCh38 VCF-style: chr11-47350082-G-GT. GRCh37 (hg19) VCF-style: chr11-47371633-G-GT.
Other names: p.Thr146AsnfsX7; c.436dupA (NM_000256.3); c.436dup, p.Thr146fs (NM_000256.3); short protein forms T146fs.
Identifiers: ClinVar variation 42751 (VCV000042751.27), dbSNP rs397516049, ClinGen allele CA015079.